The following is an entry in ClinVar:

NM_000209.4(PDX1):c.278C>G (p.Pro93Arg)

Gene: PDX1 (pancreatic and duodenal homeobox 1; plus strand). Cytogenetic location: 13q12.2.
Variant type: single nucleotide variant.
Coding change: c.278C>G on transcript NM_000209.4 (MANE Select); coding-DNA position 278, C replaced by G.
Protein change: p.Pro93Arg; replaces proline 93 with arginine.
Molecular consequence: missense variant.
Genome position (GRCh38, 1-based): chr13:27,920,416, C>G. VCF-style: chr13-27920416-C-G. GRCh37 (hg19) VCF-style: chr13-28494553-C-G.
Other names: short protein forms P93R.
Identifiers: ClinVar variation 4688676 (VCV004688676.2).

ClinVar aggregate classification (germline): Uncertain significance. Review status: criteria provided, multiple submitters, no conflicts (2 of 4 stars). 2 submissions from 2 submitters: Uncertain significance (2). Last evaluated 2025-12-01.

gnomAD v4.1: 24 of 1,563,662 alleles (0.0015%); highest among the groups gnomAD compares: Admixed American, 0.0019%; no homozygotes.

Submissions (2):

Women's Health and Genetics/Laboratory Corporation of America, LabCorp
Classification: Uncertain significance. Last evaluated: 2025-12-01. Review status: criteria provided, single submitter. Criteria: LabCorp Variant Classification Summary - May 2015. Collection method: clinical testing. Allele origin: germline.
Comment: Variant summary: PDX1 c.278C>G (p.Pro93Arg) results in a non-conservative amino acid change in the encoded protein sequence. Algorithms developed to predict the effect of missense changes on protein structure and function all suggest that this variant is likely to be disruptive. The variant allele was found at a frequency of 1.5e-05 in 1563662 control chromosomes (gnomAD). This frequency is not significantly higher than estimated for disease-causing variants in PDX1, allowing no conclusion about variant significance. To our knowledge, no occurrence of c.278C>G in individuals affected with PDX1-related conditions and no experimental evidence demonstrating its impact on protein function have been reported. No submitters have cited clinical-significance assessments for this variant to ClinVar. Based on the evidence outlined above, the variant was classified as uncertain significance.

Labcorp Genetics (formerly Invitae), Labcorp
Classification: Uncertain significance. Last evaluated: 2025-09-25. Review status: criteria provided, single submitter. Criteria: Invitae Variant Classification Sherloc (09022015). Collection method: clinical testing. Allele origin: germline.
Comment: This sequence change replaces proline, which is neutral and non-polar, with arginine, which is basic and polar, at codon 93 of the PDX1 protein (p.Pro93Arg). This variant is not present in population databases (gnomAD no frequency). This missense change has been observed in individual(s) with early onset diabetes (PMID: 23320570). Invitae Evidence Modeling of protein sequence and biophysical properties (such as structural, functional, and spatial information, amino acid conservation, physicochemical variation, residue mobility, and thermodynamic stability) indicates that this missense variant is not expected to disrupt PDX1 protein function with a negative predictive value of 80%. In summary, the available evidence is currently insufficient to determine the role of this variant in disease. Therefore, it has been classified as a Variant of Uncertain Significance.

Literature cited by the submitters: PubMed 23320570 (cited by Labcorp Genetics (formerly Invitae), Labcorp).